The following is an entry in ClinVar:

ClinVar aggregate classification (germline): Uncertain significance (1 of 4 stars; one submission).

Conditions:
Pfeiffer syndrome (ACS5). Also called: ACS V. Identifiers: Orphanet 710, MedGen C0220658, MONDO:0007043, OMIM 101600.
Hypogonadotropic hypogonadism 2 with or without anosmia (HH2). Also called: FGFR1-Related GnRH Deficiency (Kallmann Syndrome 2); HYPOGONADOTROPIC HYPOGONADISM 2 WITHOUT ANOSMIA; HYPOGONADOTROPIC HYPOGONADISM 2 WITH OR WITHOUT ANOSMIA, SUSCEPTIBILITY TO; HYPOGONADOTROPIC HYPOGONADISM 2 WITHOUT ANOSMIA, SUSCEPTIBILITY TO. Identifiers: Orphanet 478, MedGen C1563720, MONDO:0007844, OMIM 147950. Disease mechanism: loss of function.

Submission:

Labcorp Genetics (formerly Invitae), Labcorp
Classification: Uncertain significance for Pfeiffer syndrome; Hypogonadotropic hypogonadism 2 with or without anosmia. Last evaluated: 2024-09-26. Review status: criteria provided, single submitter. Criteria: Invitae Variant Classification Sherloc (09022015). Collection method: clinical testing. Allele origin: germline.
Comment: This sequence change replaces glycine, which is neutral and non-polar, with arginine, which is basic and polar, at codon 337 of the FGFR1 protein (p.Gly337Arg). This variant is not present in population databases (gnomAD no frequency). This variant has not been reported in the literature in individuals affected with FGFR1-related conditions. Invitae Evidence Modeling of protein sequence and biophysical properties (such as structural, functional, and spatial information, amino acid conservation, physicochemical variation, residue mobility, and thermodynamic stability) indicates that this missense variant is expected to disrupt FGFR1 protein function with a positive predictive value of 95%. In summary, the available evidence is currently insufficient to determine the role of this variant in disease. Therefore, it has been classified as a Variant of Uncertain Significance.

NM_023110.3(FGFR1):c.1009G>A (p.Gly337Arg)

Gene: FGFR1 (fibroblast growth factor receptor 1; minus strand). Cytogenetic location: 8p11.23.
Variant type: single nucleotide variant.
Coding change: c.1009G>A on transcript NM_023110.3 (MANE Select); coding-DNA position 1009, G replaced by A.
Protein change: p.Gly337Arg; replaces glycine 337 with arginine.
Molecular consequence: missense variant.
Genome position (GRCh38, 1-based): chr8:38,421,869, C>T on the plus strand (G>A on the coding strand, the complement: FGFR1 is on the minus strand). VCF-style: chr8-38421869-C-T. GRCh37 (hg19) VCF-style: chr8-38279387-C-T.
Other names: c.1009G>A, p.Gly337Arg (NM_001174063.2); c.985G>A, p.Gly329Arg (NM_001174064.2); c.1003G>A, p.Gly335Arg (NM_001174065.2, NM_001354367.2, NM_001354369.2 and 2 more transcripts); c.742G>A, p.Gly248Arg (NM_001174066.2, NM_023105.3); c.1102G>A, p.Gly368Arg (NM_001174067.2); c.736G>A, p.Gly246Arg (NM_001354368.2, NM_001354370.2, NM_023106.3); short protein forms G246R, G248R, G329R, G335R, G337R, G368R.
Identifiers: ClinVar variation 3758310 (VCV003758310.2).